The following is an entry in ClinVar:

ClinVar aggregate classification (germline): Uncertain significance. Review status: criteria provided, multiple submitters, no conflicts (2 of 4 stars). 3 submissions from 3 submitters: Uncertain significance (3). Last evaluated 2022-10-24.

Conditions:
Usher syndrome type 1D (USH1D). Also called: USHER SYNDROME, TYPE ID. Identifiers: Orphanet 231169, Orphanet 886, MedGen C1832845, MONDO:0010984, OMIM 601067.

Allele frequency attached by ClinVar (database versions not stated): ExAC 0.00001; gnomAD 0.00001 and 0.00002; gnomAD exomes 0.00002 and 0.00003; TOPMed 0.00002; 1000 Genomes Project 30x 0.00016.
gnomAD v4.1: 48 of 1,613,934 alleles (0.003%); highest among the groups gnomAD compares: East Asian, 0.0045%; no homozygotes.

Submissions (3):

Labcorp Genetics (formerly Invitae), Labcorp
Classification: Uncertain significance. Last evaluated: 2022-10-24. Review status: criteria provided, single submitter. Criteria: Invitae Variant Classification Sherloc (09022015). Collection method: clinical testing. Allele origin: germline.
Comment: This sequence change replaces arginine, which is basic and polar, with glutamine, which is neutral and polar, at codon 842 of the CDH23 protein (p.Arg842Gln). This variant is present in population databases (rs753068359, gnomAD 0.01%). This variant has not been reported in the literature in individuals affected with CDH23-related conditions. ClinVar contains an entry for this variant (Variation ID: 1064755). Advanced modeling of protein sequence and biophysical properties (such as structural, functional, and spatial information, amino acid conservation, physicochemical variation, residue mobility, and thermodynamic stability) has been performed at Invitae for this missense variant, however the output from this modeling did not meet the statistical confidence thresholds required to predict the impact of this variant on CDH23 protein function. In summary, the available evidence is currently insufficient to determine the role of this variant in disease. Therefore, it has been classified as a Variant of Uncertain Significance.

Blueprint Genetics
Classification: Uncertain significance. Last evaluated: 2022-08-11. Review status: criteria provided, single submitter. Criteria: ACMG Guidelines, 2015. Collection method: clinical testing. Allele origin: germline.

Ocular Genomics Institute, Massachusetts Eye and Ear
Classification: Uncertain significance for Usher syndrome type 1D. Last evaluated: 2021-04-08. Review status: criteria provided, single submitter. Criteria: ACMG Guidelines, 2015. Collection method: research. Allele origin: germline. Affected: yes.
Comment: Through a review of available evidence we were able to apply the following criteria: PM2, PP3. Based on this evidence we have classified this variant as Variant of Uncertain Significance.

NM_022124.6(CDH23):c.2525G>A (p.Arg842Gln)

Gene: CDH23 (cadherin related 23; plus strand). Cytogenetic location: 10q22.1.
Variant type: single nucleotide variant.
Coding change: c.2525G>A on transcript NM_022124.6 (MANE Select); coding-DNA position 2525, G replaced by A.
Protein change: p.Arg842Gln; replaces arginine 842 with glutamine.
Molecular consequence: missense variant.
Genome position (GRCh38, 1-based): chr10:71,702,149, G>A. VCF-style: chr10-71702149-G-A. GRCh37 (hg19) VCF-style: chr10-73461906-G-A.
Other names: c.2525G>A, p.Arg842Gln (NM_001171930.2, NM_001171931.2); short protein forms R842Q.
Identifiers: ClinVar variation 1064755 (VCV001064755.4), dbSNP rs753068359, ClinGen allele CA5544239.